The following is an entry in ClinVar:

ClinVar aggregate classification (germline): Likely pathogenic (1 of 4 stars; one submission).

Allele frequency attached by ClinVar (database versions not stated): gnomAD exomes 0.00001.
gnomAD v4.1: 7 of 1,594,590 alleles (0.00044%); highest among the groups gnomAD compares: Non-Finnish European, 0.0006%; no homozygotes.

Submission:

Labcorp Genetics (formerly Invitae), Labcorp
Classification: Likely pathogenic. Last evaluated: 2021-07-25. Review status: criteria provided, single submitter. Criteria: Invitae Variant Classification Sherloc (09022015). Collection method: clinical testing. Allele origin: germline.
Comment: In summary, the currently available evidence indicates that the variant is pathogenic, but additional data are needed to prove that conclusively. Therefore, this variant has been classified as Likely Pathogenic. Algorithms developed to predict the effect of sequence changes on RNA splicing suggest that this variant may disrupt the consensus splice site. This variant has not been reported in the literature in individuals affected with CLCN7-related conditions. This variant is not present in population databases (ExAC no frequency). This sequence change affects a donor splice site in intron 15 of the CLCN7 gene. It is expected to disrupt RNA splicing. Variants that disrupt the donor or acceptor splice site typically lead to a loss of protein function (PMID: 16199547), and loss-of-function variants in CLCN7 are known to be pathogenic (PMID: 14584882, 19953639).

Literature cited by the submitters: PubMed 16199547; PubMed 14584882; PubMed 19953639.

NM_001287.6(CLCN7):c.1353+1G>A

Gene: CLCN7 (chloride voltage-gated channel 7; minus strand). Cytogenetic location: 16p13.3.
Variant type: single nucleotide variant.
Coding change: c.1353+1G>A on transcript NM_001287.6 (MANE Select); the canonical splice donor site of the intron after coding-DNA position 1353, G replaced by A.
Molecular consequence: splice donor variant.
Genome position (GRCh38, 1-based): chr16:1,452,754, C>T on the plus strand (G>A on the coding strand, the complement: CLCN7 is on the minus strand). VCF-style: chr16-1452754-C-T. GRCh37 (hg19) VCF-style: chr16-1502755-C-T.
Other names: c.1281+1G>A (NM_001114331.3).
Identifiers: ClinVar variation 1483197 (VCV001483197.6), dbSNP rs2142374547, ClinGen allele CA394189030.